The following is an entry in ClinVar:

NM_002485.5(NBN):c.2071del

Gene: NBN (nibrin; minus strand). Cytogenetic location: 8q21.3.
Variant type: Deletion.
Coding change: c.2071del on transcript NM_002485.5 (MANE Select); coding-DNA position 2071, one base deleted (G; older notation c.2071delG).
Genome position (GRCh38, 1-based): chr8:89,943,366, C deleted on the plus strand (G on the coding strand, the reverse complement: NBN is on the minus strand); the first of 2 consecutive C bases (chr8:89,943,366-89,943,367); deleting either gives the same sequence. VCF-style (leftmost placement, unchanged base first): chr8-89943365-AC-A. GRCh37 (hg19) VCF-style: chr8-90955593-AC-A.
Other names: c.2071delG (NM_002485.5).
Identifiers: ClinVar variation 1451838 (VCV001451838.9), dbSNP rs2130756322, ClinGen allele CA2573143334.
Genomic context (GRCh38, chr8:89,943,365, plus strand): 5'-TGAGCTATTAGATCTGATCCTCCAATGATGTGTGGAAGTTTTCCTGCTCCAGGATATGTG[AC>A]CTATTGAATAATAAAAGTAGTACAGTAAATCATATTAACAAACAAAAATGACCATTTTTT-3'

ClinVar aggregate classification (germline): Pathogenic/Likely pathogenic. Review status: criteria provided, multiple submitters, no conflicts (2 of 4 stars). 4 submissions from 4 submitters: Pathogenic (1); Likely pathogenic (3). Last evaluated 2025-11-18.

Conditions:
Microcephaly, normal intelligence and immunodeficiency (NBS). Also called: IMMUNODEFICIENCY, MICROCEPHALY, AND CHROMOSOMAL INSTABILITY; SEEMANOVA SYNDROME II; Nijmegen breakage syndrome; Microcephaly with normal intelligence immunodeficiency and lymphoreticular malignancies; Nonsyndromal microcephaly autosomal recessive with normal intelligence; Seemanova syndrome 2. Identifiers: Orphanet 647, MedGen C0398791, MONDO:0009623, OMIM 251260.
Aplastic anemia. Identifiers: Orphanet 182040, Orphanet 88, MedGen C0002874, MONDO:0015909, OMIM 609135, HP:0001915.

Submissions (4):

Department of Clinical Genetics, Copenhagen University Hospital, Rigshospitalet
Classification: Likely pathogenic for Microcephaly, normal intelligence and immunodeficiency. Last evaluated: 2025-11-18. Review status: criteria provided, single submitter. Criteria: ACMG Guidelines, 2015. Collection method: clinical testing. Allele origin: germline. Affected: yes.
Comment: The following ACMG criteria has been used:PM2_SUP; PVS1

Center for Genomic Medicine, Rigshospitalet, Copenhagen University Hospital
Classification: Likely pathogenic. Last evaluated: 2025-03-04. Review status: criteria provided, single submitter. Criteria: ACMG Guidelines, 2015. Collection method: clinical testing. Allele origin: germline.
Comment: Classification criteria: PVS1, PM2

Labcorp Genetics (formerly Invitae), Labcorp
Classification: Pathogenic for Microcephaly, normal intelligence and immunodeficiency. Last evaluated: 2021-11-22. Review status: criteria provided, single submitter. Criteria: Invitae Variant Classification Sherloc (09022015). Collection method: clinical testing. Allele origin: germline.
Comment: This sequence change creates a premature translational stop signal (p.Val691Serfs*18) in the NBN gene. It is expected to result in an absent or disrupted protein product. Loss-of-function variants in NBN are known to be pathogenic (PMID: 9590180, 16415040). This variant is not present in population databases (gnomAD no frequency). This variant has not been reported in the literature in individuals affected with NBN-related conditions. Algorithms developed to predict the effect of sequence changes on RNA splicing suggest that this variant may disrupt the consensus splice site. For these reasons, this variant has been classified as Pathogenic.

Baylor Genetics
Classification: Likely pathogenic for Aplastic anemia. Last evaluated: 2021-11-18. Review status: criteria provided, single submitter. Criteria: ACMG Guidelines, 2015. Collection method: clinical testing. Allele origin: unknown.

Literature cited by the submitters: PubMed 27433846 (cited by Center for Genomic Medicine, Rigshospitalet, Copenhagen University Hospital); PubMed 27616075 (cited by Center for Genomic Medicine, Rigshospitalet, Copenhagen University Hospital); PubMed 9590180 (cited by Labcorp Genetics (formerly Invitae), Labcorp); PubMed 16415040 (cited by Labcorp Genetics (formerly Invitae), Labcorp).